The following is an entry in ClinVar:

NM_001184880.2(PCDH19):c.3199T>G (p.Ser1067Ala)

Gene: PCDH19 (protocadherin 19; minus strand). Cytogenetic location: Xq22.1.
Variant type: single nucleotide variant.
Coding change: c.3199T>G on transcript NM_001184880.2 (MANE Select); coding-DNA position 3199, T replaced by G.
Protein change: p.Ser1067Ala; replaces serine 1067 with alanine.
Molecular consequence: missense variant.
Genome position (GRCh38, 1-based): chrX:100,296,525, A>C on the plus strand (T>G on the coding strand, the complement: PCDH19 is on the minus strand). VCF-style: chrX-100296525-A-C. GRCh37 (hg19) VCF-style: chrX-99551523-A-C.
Other names: c.3058T>G, p.Ser1020Ala (NM_001105243.2); c.3055T>G, p.Ser1019Ala (NM_020766.3); short protein forms S1019A, S1020A, S1067A.
Identifiers: ClinVar variation 3372905 (VCV003372905.1).

ClinVar aggregate classification (germline): Uncertain significance (1 of 4 stars; one submission).

Submission:

GeneDx
Classification: Uncertain significance. Last evaluated: 2024-04-23. Review status: criteria provided, single submitter. Criteria: GeneDx Variant Classification Process June 2021. Collection method: clinical testing. Allele origin: germline. Affected: yes.
Comment: Not observed at significant frequency in large population cohorts (gnomAD); In silico analysis indicates that this missense variant does not alter protein structure/function; Has not been previously published as pathogenic or benign to our knowledge